The following is an entry in ClinVar:

ClinVar aggregate classification (germline): Uncertain significance. Review status: criteria provided, single submitter (1 of 4 stars). 2 submissions from 2 submitters: Uncertain significance (1). 1 of the submissions does not count toward it. Last evaluated 2025-10-18.

Conditions:
Hajdu-Cheney syndrome (HJCYS). Also called: SERPENTINE FIBULA-POLYCYSTIC KIDNEY SYNDROME; Acroosteolysis dominant type; ACROOSTEOLYSIS WITH OSTEOPOROSIS AND CHANGES IN SKULL AND MANDIBLE. Identifiers: Orphanet 955, MedGen C0917715, MONDO:0007057, OMIM 102500.
NOTCH2-related disorder. Also called: NOTCH2-related condition.

Allele frequency attached by ClinVar (database versions not stated): gnomAD exomes below 0.00001.
gnomAD v4.1: 1 of 1,607,026 alleles (0.000062%); highest among the groups gnomAD compares: Admixed American, 0.0017%; no homozygotes.

Submissions (2):

Labcorp Genetics (formerly Invitae), Labcorp
Classification: Uncertain significance for Hajdu-Cheney syndrome. Last evaluated: 2025-10-18. Review status: criteria provided, single submitter. Criteria: Invitae Variant Classification Sherloc (09022015). Collection method: clinical testing. Allele origin: germline.
Comment: This sequence change falls in intron 10 of the NOTCH2 gene. It does not directly change the encoded amino acid sequence of the NOTCH2 protein. It affects a nucleotide within the consensus splice site. This variant is present in population databases (no rsID available, gnomAD 0.003%). This variant has not been reported in the literature in individuals affected with NOTCH2-related conditions. ClinVar contains an entry for this variant (Variation ID: 3045643). Variants that disrupt the consensus splice site are a relatively common cause of aberrant splicing (PMID: 17576681, 9536098). Algorithms developed to predict the effect of sequence changes on RNA splicing suggest that this variant is not likely to affect RNA splicing. In summary, the available evidence is currently insufficient to determine the role of this variant in disease. Therefore, it has been classified as a Variant of Uncertain Significance.

PreventionGenetics, part of Exact Sciences
Classification: Likely benign for NOTCH2-related condition. Last evaluated: 2022-11-02. Review status: no assertion criteria provided. Collection method: clinical testing. Allele origin: germline. Not counted in ClinVar's aggregate classification.
Comment: This variant is classified as likely benign based on ACMG/AMP sequence variant interpretation guidelines (Richards et al. 2015 PMID: 25741868, with internal and published modifications).

Literature cited by the submitters: PubMed 17576681 (cited by Labcorp Genetics (formerly Invitae), Labcorp); PubMed 9536098 (cited by Labcorp Genetics (formerly Invitae), Labcorp).

NM_024408.4(NOTCH2):c.1681+6A>G

Gene: NOTCH2 (notch receptor 2; minus strand). Cytogenetic location: 1p12.
Variant type: single nucleotide variant.
Coding change: c.1681+6A>G on transcript NM_024408.4 (MANE Select); 6 bases into the intron after coding-DNA position 1681, A replaced by G.
Molecular consequence: intron variant.
Genome position (GRCh38, 1-based): chr1:119,965,447, T>C on the plus strand (A>G on the coding strand, the complement: NOTCH2 is on the minus strand). VCF-style: chr1-119965447-T-C. GRCh37 (hg19) VCF-style: chr1-120508070-T-C.
Other names: c.1681+6A>G (NM_001200001.2).
Identifiers: ClinVar variation 3045643 (VCV003045643.4), dbSNP rs1161526792, ClinGen allele CA525744720.